The following is an entry in ClinVar:

ClinVar aggregate classification (germline): Uncertain significance (1 of 4 stars; one submission).

Submission:

Labcorp Genetics (formerly Invitae), Labcorp
Classification: Uncertain significance. Last evaluated: 2023-06-29. Review status: criteria provided, single submitter. Criteria: Invitae Variant Classification Sherloc (09022015). Collection method: clinical testing. Allele origin: germline.
Comment: This sequence change replaces alanine, which is neutral and non-polar, with lysine, which is basic and polar, at codon 23 of the DNAJC17 protein (p.Ala23Lys). The frequency data for this variant in the population databases is considered unreliable, as metrics indicate poor data quality at this position in the gnomAD database. This variant has not been reported in the literature in individuals affected with DNAJC17-related conditions. An algorithm developed to predict the effect of missense changes on protein structure and function (PolyPhen-2) suggests that this variant is likely to be tolerated. In summary, the available evidence is currently insufficient to determine the role of this variant in disease. Therefore, it has been classified as a Variant of Uncertain Significance.

NM_018163.3(DNAJC17):c.67_68delinsAA (p.Ala23Lys)

Genes: ZFYVE19 (zinc finger FYVE-type containing 19; plus strand), DNAJC17 (DnaJ heat shock protein family (Hsp40) member C17; minus strand). Cytogenetic location: 15q15.1.
Variant type: Indel.
Coding change: c.67_68delinsAA on transcript NM_018163.3 (MANE Select); coding-DNA positions 67 to 68, GC replaced by AA.
Protein change: p.Ala23Lys; replaces alanine 23 with lysine.
Molecular consequence: missense variant. On other transcripts: 5 prime UTR variant (3).
Genome position (GRCh38, 1-based): chr15:40,807,379-40,807,380, GC replaced by TT on the plus strand (GC replaced by AA on the coding strand, the reverse complement: DNAJC17 is on the minus strand). VCF-style: chr15-40807379-GC-TT. GRCh37 (hg19) VCF-style: chr15-41099577-GC-TT.
Other names: c.-211_-210delinsTT (NM_001077268.2, NM_001258420.2); c.-539_-538delinsTT (NM_001258421.2); c.91_92delinsTT, p.Ala31Phe (NM_032850.5); short protein forms A31F, A23K.
Identifiers: ClinVar variation 2879850 (VCV002879850.3), dbSNP rs2504707115, ClinGen allele CA2739278292.
Genomic context (GRCh38, chr15:40,807,379, plus strand): 5'-GAAGGACCGCCAGACCTCTCAAGATCAGCCTTCCTCGCCACCGTTCTCACCTCTTTGTCC[GC>TT]TGCCTTCTCCTCAATGCCTAGCAGCGCGTACAGGTCCATCTGTAAGAGCTCCTTGGTCAC-3'
Protein context (NP_060633.1, residues 13-33): YALLGIEEKA[Ala23Lys]DKEVKKAYRQ